The following is an entry in ClinVar:

ClinVar aggregate classification (germline): Uncertain significance (1 of 4 stars; one submission).

Submission:

GeneDx
Classification: Uncertain significance. Last evaluated: 2023-12-28. Review status: criteria provided, single submitter. Criteria: GeneDx Variant Classification Process June 2021. Collection method: clinical testing. Allele origin: germline. Affected: yes.
Comment: Has not been previously published as pathogenic or benign to our knowledge; Not observed at significant frequency in large population cohorts (gnomAD); In silico analysis supports that this missense variant does not alter protein structure/function

NM_001161352.2(KCNMA1):c.215C>T (p.Pro72Leu)

Gene: KCNMA1 (potassium calcium-activated channel subfamily M alpha 1; minus strand). Cytogenetic location: 10q22.3.
Variant type: single nucleotide variant.
Coding change: c.215C>T on transcript NM_001161352.2 (MANE Select); coding-DNA position 215, C replaced by T.
Protein change: p.Pro72Leu; replaces proline 72 with leucine.
Molecular consequence: missense variant.
Genome position (GRCh38, 1-based): chr10:77,637,428, G>A on the plus strand (C>T on the coding strand, the complement: KCNMA1 is on the minus strand). VCF-style: chr10-77637428-G-A. GRCh37 (hg19) VCF-style: chr10-79397186-G-A.
Other names: c.215C>T, p.Pro72Leu (NM_001014797.3, NM_001161353.2, NM_001271518.2 and 13 more transcripts); short protein forms P72L.
Identifiers: ClinVar variation 3365951 (VCV003365951.1).